The following is an entry in ClinVar:

ClinVar aggregate classification (germline): Pathogenic/Likely pathogenic. Review status: criteria provided, multiple submitters, no conflicts (2 of 4 stars). 3 submissions from 3 submitters: Pathogenic (2); Likely pathogenic (1). Last evaluated 2024-10-21.

Conditions:
Retinitis pigmentosa 25 (RP25). Identifiers: Orphanet 791, MedGen C1864446, MONDO:0011272, OMIM 602772.
EYS-related disorder. Also called: EYS-related condition.

Submissions (3):

Labcorp Genetics (formerly Invitae), Labcorp
Classification: Pathogenic. Last evaluated: 2024-10-21. Review status: criteria provided, single submitter. Criteria: Invitae Variant Classification Sherloc (09022015). Collection method: clinical testing. Allele origin: germline.
Comment: This sequence change creates a premature translational stop signal (p.Lys3113Phefs*8) in the EYS gene. While this is not anticipated to result in nonsense mediated decay, it is expected to disrupt the last 32 amino acid(s) of the EYS protein. This variant is not present in population databases (gnomAD no frequency). This premature translational stop signal has been observed in individuals with retinitis pigmentosa (PMID: 33576794, 36819107). This variant disrupts a region of the EYS protein in which other variant(s) (p.Tyr3135*) have been determined to be pathogenic (PMID: 18976725, 29159838, 30337596, 31074760). This suggests that this is a clinically significant region of the protein, and that variants that disrupt it are likely to be disease-causing. For these reasons, this variant has been classified as Pathogenic.

Baylor Genetics
Classification: Pathogenic for Retinitis pigmentosa 25. Last evaluated: 2023-03-23. Review status: criteria provided, single submitter. Criteria: ACMG Guidelines, 2015. Collection method: clinical testing. Allele origin: unknown.

Blueprint Genetics
Classification: Likely pathogenic for EYS-related disorders. Last evaluated: 2022-07-15. Review status: criteria provided, single submitter. Criteria: ACMG Guidelines, 2015. Collection method: clinical testing. Allele origin: germline. Affected: yes. Observed: 1 variant allele.

Literature cited by the submitters: PubMed 33576794 (cited by Labcorp Genetics (formerly Invitae), Labcorp); PubMed 36819107 (cited by Labcorp Genetics (formerly Invitae), Labcorp); PubMed 18976725 (cited by Labcorp Genetics (formerly Invitae), Labcorp); PubMed 29159838 (cited by Labcorp Genetics (formerly Invitae), Labcorp); PubMed 30337596 (cited by Labcorp Genetics (formerly Invitae), Labcorp); PubMed 31074760 (cited by Labcorp Genetics (formerly Invitae), Labcorp).

NM_001142800.2(EYS):c.9337_9350del (p.Lys3113fs)

Genes: EYS (EGF-like photoreceptor maintenance factor; minus strand), PHF3 (PHD finger protein 3; plus strand). Cytogenetic location: 6q12.
Variant type: Deletion.
Coding change: c.9337_9350del on transcript NM_001142800.2 (MANE Select); coding-DNA positions 9337 to 9350, 14 bases deleted (AAAGATGTTGTATT).
Protein change: p.Lys3113fs; shifts the reading frame from lysine 3113.
Molecular consequence: frameshift variant. On other transcripts: 3 prime UTR variant (5).
Genome position (GRCh38, 1-based): chr6:63,720,681-63,720,694, AATACAACATCTTT deleted on the plus strand (AAAGATGTTGTATT on the coding strand, the reverse complement: EYS is on the minus strand); deleting any 14 consecutive bases within chr6:63,720,681-63,720,697 gives the same sequence; the c. name uses the placement nearest the transcript's 3' end. VCF-style (leftmost placement, unchanged base first): chr6-63720680-AAATACAACATCTTT-A. GRCh37 (hg19) VCF-style: chr6-64430576-AAATACAACATCTTT-A.
Other names: c.*6976_*6989del (NM_001290259.2, NM_001370348.2, NM_001370349.2 and 2 more transcripts); c.9400_9413del, p.Lys3134fs (NM_001292009.2); short protein forms K3113fs, K3134fs.
Identifiers: ClinVar variation 2675292 (VCV002675292.5), dbSNP rs2533384924, ClinGen allele CA2679279864.